The following is an entry in ClinVar:

ClinVar aggregate classification (germline): Uncertain significance. Review status: criteria provided, multiple submitters, no conflicts (2 of 4 stars). 2 submissions from 2 submitters: Uncertain significance (2). Last evaluated 2025-06-29.

Conditions:
Hereditary cancer-predisposing syndrome. Also called: Tumor predisposition; Hereditary neoplastic syndrome; Hereditary Cancer Syndrome; Neoplastic Syndromes, Hereditary. Identifiers: Orphanet 140162, MedGen C0027672, MeSH D009386, MONDO:0015356.

Allele frequency attached by ClinVar (database versions not stated): TOPMed below 0.00001.

Submissions (2):

Ambry Genetics
Classification: Uncertain significance for Hereditary cancer-predisposing syndrome. Last evaluated: 2025-06-29. Review status: criteria provided, single submitter. Criteria: Ambry Variant Classification Scheme 2023. Collection method: clinical testing. Allele origin: germline.
Comment: The p.L1186P variant (also known as c.3557T>C), located in coding exon 29 of the POLE gene, results from a T to C substitution at nucleotide position 3557. The leucine at codon 1186 is replaced by proline, an amino acid with similar properties. This amino acid position is conserved. In addition, the in silico prediction for this alteration is inconclusive. Based on the available evidence, the clinical significance of this variant remains unclear.

Labcorp Genetics (formerly Invitae), Labcorp
Classification: Uncertain significance. Last evaluated: 2022-03-16. Review status: criteria provided, single submitter. Criteria: Invitae Variant Classification Sherloc (09022015). Collection method: clinical testing. Allele origin: germline.
Comment: In summary, the available evidence is currently insufficient to determine the role of this variant in disease. Therefore, it has been classified as a Variant of Uncertain Significance. Algorithms developed to predict the effect of missense changes on protein structure and function (SIFT, PolyPhen-2, Align-GVGD) all suggest that this variant is likely to be disruptive. This variant has not been reported in the literature in individuals affected with POLE-related conditions. This variant is not present in population databases (gnomAD no frequency). This sequence change replaces leucine, which is neutral and non-polar, with proline, which is neutral and non-polar, at codon 1186 of the POLE protein (p.Leu1186Pro).

NM_006231.4(POLE):c.3557T>C (p.Leu1186Pro)

Gene: POLE (DNA polymerase epsilon, catalytic subunit; minus strand). Cytogenetic location: 12q24.33.
Variant type: single nucleotide variant.
Coding change: c.3557T>C on transcript NM_006231.4 (MANE Select); coding-DNA position 3557, T replaced by C.
Protein change: p.Leu1186Pro; replaces leucine 1186 with proline.
Molecular consequence: missense variant.
Genome position (GRCh38, 1-based): chr12:132,657,161, A>G on the plus strand (T>C on the coding strand, the complement: POLE is on the minus strand). VCF-style: chr12-132657161-A-G. GRCh37 (hg19) VCF-style: chr12-133233747-A-G.
Other names: c.3557T>C (NM_006231.2); short protein forms L1186P.
Identifiers: ClinVar variation 2149307 (VCV002149307.5), dbSNP rs112099123, ClinGen allele CA246314741.
Genomic context (GRCh38, chr12:132,657,161, plus strand): 5'-TCCCGCCCAGCCCAGCCTTGGGGCCCCACCGTCACCTGTCTCCTGCCCTCCAGGGTGAAG[A>G]GCTCACTGATCTTCTTCTGCTTGTAGACATCATTCTTCTCCAGCAGTTTTTTGTGCAGCC-3'
Protein context (NP_006222.2, residues 1176-1196): DVYKQKKISE[Leu1186Pro]FTLEGRRQVT